The following is an entry in ClinVar:

NM_031471.6(FERMT3):c.1231G>A (p.Val411Ile)

Gene: FERMT3 (FERM domain containing kindlin 3; plus strand). Cytogenetic location: 11q13.1.
Variant type: single nucleotide variant.
Coding change: c.1231G>A on transcript NM_031471.6 (MANE Select); coding-DNA position 1231, G replaced by A.
Protein change: p.Val411Ile; replaces valine 411 with isoleucine.
Molecular consequence: missense variant.
Genome position (GRCh38, 1-based): chr11:64,220,246, G>A. VCF-style: chr11-64220246-G-A. GRCh37 (hg19) VCF-style: chr11-63987718-G-A.
Other names: c.1231G>A, p.Val411Ile (NM_001382361.1, NM_001382448.1); c.1243G>A, p.Val415Ile (NM_001382362.1, NM_178443.3); c.691G>A, p.Val231Ile (NM_001382363.1); c.703G>A, p.Val235Ile (NM_001382364.1); short protein forms V411I, V231I, V235I, V415I.
Identifiers: ClinVar variation 938839 (VCV000938839.8), dbSNP rs779562122, ClinGen allele CA6069091.
Genomic context (GRCh38, chr11:64,220,246, plus strand): 5'-CCGACCTCCTAGACCACCCCTTCTCTCCCTCCAGGCTGTGAGGTGGTTCCCGATGTTAAC[G>A]TCTCCGGCCAGAAGTTCTGCATTAAACTCCTAGTGCCCTCCCCTGAGGGCATGAGTGAGA-3'
Protein context (NP_113659.3, residues 401-421): KGCEVVPDVN[Val411Ile]SGQKFCIKLL

ClinVar aggregate classification (germline): Uncertain significance. Review status: criteria provided, multiple submitters, no conflicts (2 of 4 stars). 2 submissions from 2 submitters: Uncertain significance (2). Last evaluated 2025-10-21.

Conditions:
Leukocyte adhesion deficiency 3. Also called: Leukocyte adhesion deficiency, type III; INTEGRIN ACTIVATION DEFICIENCY DISEASE; LEUKOCYTE ADHESION DEFICIENCY 1 VARIANT. Identifiers: Orphanet 2968, Orphanet 99844, MedGen C2748536, MONDO:0013016, OMIM 612840.
Inborn genetic diseases. Identifiers: MedGen C0950123, MeSH D030342.

Allele frequency attached by ClinVar (database versions not stated): gnomAD exomes 0.00002 and 0.00005; ExAC 0.00003; gnomAD 0.00003; TOPMed 0.00004.
gnomAD v4.1: 74 of 1,613,802 alleles (0.0046%); highest among the groups gnomAD compares: Non-Finnish European, 0.0058%; no homozygotes.

Submissions (2):

Labcorp Genetics (formerly Invitae), Labcorp
Classification: Uncertain significance for Leukocyte adhesion deficiency 3. Last evaluated: 2025-10-21. Review status: criteria provided, single submitter. Criteria: Invitae Variant Classification Sherloc (09022015). Collection method: clinical testing. Allele origin: germline.
Comment: This sequence change replaces valine, which is neutral and non-polar, with isoleucine, which is neutral and non-polar, at codon 411 of the FERMT3 protein (p.Val411Ile). This variant is present in population databases (rs779562122, gnomAD 0.007%). This variant has not been reported in the literature in individuals affected with FERMT3-related conditions. ClinVar contains an entry for this variant (Variation ID: 938839). Invitae Evidence Modeling of protein sequence and biophysical properties (such as structural, functional, and spatial information, amino acid conservation, physicochemical variation, residue mobility, and thermodynamic stability) indicates that this missense variant is not expected to disrupt FERMT3 protein function with a negative predictive value of 80%. In summary, the available evidence is currently insufficient to determine the role of this variant in disease. Therefore, it has been classified as a Variant of Uncertain Significance.

Ambry Genetics
Classification: Uncertain significance for Inborn genetic diseases. Last evaluated: 2025-08-21. Review status: criteria provided, single submitter. Criteria: Ambry Variant Classification Scheme 2023. Collection method: clinical testing. Allele origin: germline.